The following is an entry in ClinVar:

NM_000088.4(COL1A1):c.1238G>C (p.Gly413Ala)

Gene: COL1A1 (collagen type I alpha 1 chain; minus strand). Cytogenetic location: 17q21.33.
Variant type: single nucleotide variant.
Coding change: c.1238G>C on transcript NM_000088.4 (MANE Select); coding-DNA position 1238, G replaced by C.
Protein change: p.Gly413Ala; replaces glycine 413 with alanine.
Molecular consequence: missense variant.
Genome position (GRCh38, 1-based): chr17:50,195,293, C>G on the plus strand (G>C on the coding strand, the complement: COL1A1 is on the minus strand). VCF-style: chr17-50195293-C-G. GRCh37 (hg19) VCF-style: chr17-48272654-C-G.
Other names: c.1238G>C (NM_000088.3); short protein forms G413A.
Identifiers: ClinVar variation 1368199 (VCV001368199.6), dbSNP rs72648325, ClinGen allele CA291546652.

ClinVar aggregate classification (germline): Conflicting classifications of pathogenicity. Review status: criteria provided, conflicting classifications (1 of 4 stars). 2 submissions from 2 submitters: Pathogenic (1); Uncertain significance (1). Last evaluated 2021-10-17.

Conditions:
Osteogenesis imperfecta with normal sclerae, dominant form (OI4). Also called: OSTEOGENESIS IMPERFECTA, TYPE IV, WITH DENTINOGENESIS IMPERFECTA; OSTEOGENESIS IMPERFECTA WITH NORMAL SCLERAE; Osteogenesis Imperfecta Type IV; Osteogenesis imperfecta type 4; Common Variable Osteogenesis Imperfecta with Normal Sclerae. Identifiers: Orphanet 216820, Orphanet 666, MedGen C0268363, MONDO:0008148, OMIM 166220.
Osteogenesis imperfecta type I (OI1). Also called: Lobstein's Disease; OI, TYPE I; OSTEOGENESIS IMPERFECTA TARDA; OSTEOGENESIS IMPERFECTA WITH BLUE SCLERAE; Osteogenesis imperfecta type 1; Lobstein disease. Identifiers: Orphanet 216796, Orphanet 666, MedGen C0023931, MONDO:0008146, OMIM 166200. Disease mechanism: loss of function.

Submissions (2):

Labcorp Genetics (formerly Invitae), Labcorp
Classification: Pathogenic for Osteogenesis imperfecta type I. Last evaluated: 2021-10-17. Review status: criteria provided, single submitter. Criteria: Invitae Variant Classification Sherloc (09022015). Collection method: clinical testing. Allele origin: germline.
Comment: This sequence change replaces glycine with alanine at codon 413 of the COL1A1 protein (p.Gly413Ala). The glycine residue is highly conserved and there is a small physicochemical difference between glycine and alanine. This variant is not present in population databases (ExAC no frequency). This missense change has been observed in individual(s) with osteogenesis imperfecta (PMID: 27509835). Advanced modeling of protein sequence and biophysical properties (such as structural, functional, and spatial information, amino acid conservation, physicochemical variation, residue mobility, and thermodynamic stability) performed at Invitae indicates that this missense variant is expected to disrupt COL1A1 protein function. This variant disrupts the triple helix domain of COL1A1. Glycine residues within the Gly-Xaa-Yaa repeats of the triple helix domain are required for the structure and stability of fibrillar collagens (PMID: 7695699, 8218237, 19344236). In COL1A1, variants affecting these glycine residues are significantly enriched in individuals with disease (PMID: 9016532, 17078022) compared to the general population (ExAC). For these reasons, this variant has been classified as Pathogenic.

Neuberg Centre For Genomic Medicine, NCGM
Classification: Uncertain significance for Osteogenesis imperfecta with normal sclerae, dominant form. Review status: criteria provided, single submitter. Criteria: ACMG Guidelines, 2015. Collection method: clinical testing. Allele origin: germline. Inheritance: Autosomal dominant inheritance. Affected: yes.
Comment: The missense variant in c.1238G>C (p.Gly413Ala) in COL1A1 gene has not been reported previously as a pathogenic variant nor as a benign variant, to our knowledge. The amino acid Gly at position 413 is changed to a Ala changing protein sequence and it might alter its composition and physico-chemical properties. The p.Gly413Ala variant is novel (not in any individuals) in gnomAD Exomes and 1000 Genomes. The variant is predicted to be damaging by both SIFT and PolyPhen2. The amino acid change p.Gly413Ala in COL1A1 is predicted as conserved by GERP++ and PhyloP across 100 vertebrates. For these reasons, this variant has been classified as Uncertain Significance.

Literature cited by the submitters: PubMed 27509835 (cited by Labcorp Genetics (formerly Invitae), Labcorp); PubMed 7695699 (cited by Labcorp Genetics (formerly Invitae), Labcorp); PubMed 8218237 (cited by Labcorp Genetics (formerly Invitae), Labcorp); PubMed 19344236 (cited by Labcorp Genetics (formerly Invitae), Labcorp); PubMed 9016532 (cited by Labcorp Genetics (formerly Invitae), Labcorp); PubMed 17078022 (cited by Labcorp Genetics (formerly Invitae), Labcorp).